The following is an entry in ClinVar:

ClinVar aggregate classification (germline): Uncertain significance. Review status: criteria provided, multiple submitters, no conflicts (2 of 4 stars). 3 submissions from 3 submitters: Uncertain significance (2). 1 of the submissions does not count toward it. Last evaluated 2025-07-14.

Conditions:
MYO15A-related disorder. Also called: MYO15A-related condition.
Inborn genetic diseases. Identifiers: MedGen C0950123, MeSH D030342.
Autosomal recessive nonsyndromic hearing loss 3. Also called: NEUROSENSORY NONSYNDROMIC RECESSIVE DEAFNESS 3. Identifiers: Orphanet 90636, MedGen C1838263, MONDO:0010860, OMIM 600316.

Allele frequency attached by ClinVar (database versions not stated): gnomAD exomes 0.00003; ExAC 0.00005; gnomAD 0.00006; TOPMed 0.00006.
gnomAD v4.1: 111 of 1,608,040 alleles (0.0069%); highest among the groups gnomAD compares: Non-Finnish European, 0.0093%; no homozygotes.

Submissions (3):

Ambry Genetics
Classification: Uncertain significance for Inborn genetic diseases. Last evaluated: 2025-07-14. Review status: criteria provided, single submitter. Criteria: Ambry Variant Classification Scheme 2023. Collection method: clinical testing. Allele origin: germline.

Illumina Laboratory Services, Illumina
Classification: Uncertain significance for Autosomal recessive nonsyndromic hearing loss 3. Last evaluated: 2018-01-12. Review status: criteria provided, single submitter. Criteria: ICSL Variant Classification Criteria 13 December 2019. Collection method: clinical testing. Allele origin: germline.

PreventionGenetics, part of Exact Sciences
Classification: Uncertain significance for MYO15A-related condition. Last evaluated: 2024-09-10. Review status: no assertion criteria provided. Collection method: clinical testing. Allele origin: germline. Not counted in ClinVar's aggregate classification.
Comment: The MYO15A c.6899A>C variant is predicted to result in the amino acid substitution p.Lys2300Thr. To our knowledge, this variant has not been reported in the literature. This variant is reported in 0.0074% of alleles in individuals of European (Non-Finnish) descent in gnomAD. At this time, the clinical significance of this variant is uncertain due to the absence of conclusive functional and genetic evidence.

NM_016239.4(MYO15A):c.6899A>C (p.Lys2300Thr)

Gene: MYO15A (myosin XVA; plus strand). Cytogenetic location: 17p11.2.
Variant type: single nucleotide variant.
Coding change: c.6899A>C on transcript NM_016239.4 (MANE Select); coding-DNA position 6899, A replaced by C.
Protein change: p.Lys2300Thr; replaces lysine 2300 with threonine.
Molecular consequence: missense variant.
Genome position (GRCh38, 1-based): chr17:18,148,895, A>C. VCF-style: chr17-18148895-A-C. GRCh37 (hg19) VCF-style: chr17-18052209-A-C.
Other names: short protein forms K2300T.
Identifiers: ClinVar variation 889886 (VCV000889886.8), dbSNP rs772965932, ClinGen allele CA8424686.